The following is an entry in ClinVar:

ClinVar aggregate classification (germline): Uncertain significance (1 of 4 stars; one submission).

Conditions:
Combined immunodeficiency due to OX40 deficiency. Also called: OX40 DEFICIENCY; Immunodeficiency 16. Identifiers: Orphanet 431149, MedGen C3810053, MONDO:0014268, OMIM 615593.

Allele frequency attached by ClinVar (database versions not stated): gnomAD exomes below 0.00001.
gnomAD v4.1: 2 of 1,526,414 alleles (0.00013%); highest among the groups gnomAD compares: East Asian, 0.0024%; no homozygotes.

Submission:

Labcorp Genetics (formerly Invitae), Labcorp
Classification: Uncertain significance for Combined immunodeficiency due to OX40 deficiency. Last evaluated: 2022-11-01. Review status: criteria provided, single submitter. Criteria: Invitae Variant Classification Sherloc (09022015). Collection method: clinical testing. Allele origin: germline.
Comment: ClinVar contains an entry for this variant (Variation ID: 1478848). Algorithms developed to predict the effect of missense changes on protein structure and function are either unavailable or do not agree on the potential impact of this missense change (SIFT: "Deleterious"; PolyPhen-2: "Probably Damaging"; Align-GVGD: "Class C0"). In summary, the available evidence is currently insufficient to determine the role of this variant in disease. Therefore, it has been classified as a Variant of Uncertain Significance. This variant has not been reported in the literature in individuals affected with TNFRSF4-related conditions. This sequence change replaces glutamic acid, which is acidic and polar, with lysine, which is basic and polar, at codon 266 of the TNFRSF4 protein (p.Glu266Lys). This variant is not present in population databases (gnomAD no frequency).

NM_003327.4(TNFRSF4):c.796G>A (p.Glu266Lys)

Gene: TNFRSF4 (TNF receptor superfamily member 4; minus strand). Cytogenetic location: 1p36.33.
Variant type: single nucleotide variant.
Coding change: c.796G>A on transcript NM_003327.4 (MANE Select); coding-DNA position 796, G replaced by A.
Protein change: p.Glu266Lys; replaces glutamic acid 266 with lysine.
Molecular consequence: missense variant.
Genome position (GRCh38, 1-based): chr1:1,211,593, C>T on the plus strand (G>A on the coding strand, the complement: TNFRSF4 is on the minus strand). VCF-style: chr1-1211593-C-T. GRCh37 (hg19) VCF-style: chr1-1146973-C-T.
Other names: short protein forms E266K.
Identifiers: ClinVar variation 1478848 (VCV001478848.6), dbSNP rs2100948983, ClinGen allele CA337798359.